The following is an entry in ClinVar:

ClinVar aggregate classification (germline): Uncertain significance (1 of 4 stars; one submission).

Conditions:
Ullrich congenital muscular dystrophy 2 (UCMD2). Identifiers: Orphanet 75840, MedGen C4225314, MONDO:0014654, OMIM 616470.
Bethlem myopathy 2 (BTHLM2). Identifiers: Orphanet 536516, Orphanet 610, MedGen C4225313, MONDO:0034022, OMIM 616471.

gnomAD v4.1: 1 of 1,613,888 alleles (0.000062%); highest among the groups gnomAD compares: Non-Finnish European, 0.000085%; no homozygotes.

Submission:

Labcorp Genetics (formerly Invitae), Labcorp
Classification: Uncertain significance for Bethlem myopathy 2; Ullrich congenital muscular dystrophy 2. Last evaluated: 2025-09-02. Review status: criteria provided, single submitter. Criteria: Invitae Variant Classification Sherloc (09022015). Collection method: clinical testing. Allele origin: germline.
Comment: This sequence change replaces proline, which is neutral and non-polar, with glutamine, which is neutral and polar, at codon 2968 of the COL12A1 protein (p.Pro2968Gln). This variant is not present in population databases (gnomAD no frequency). This variant has not been reported in the literature in individuals affected with COL12A1-related conditions. ClinVar contains an entry for this variant (Variation ID: 2953361). An algorithm developed to predict the effect of missense changes on protein structure and function (PolyPhen-2) suggests that this variant is likely to be disruptive. In summary, the available evidence is currently insufficient to determine the role of this variant in disease. Therefore, it has been classified as a Variant of Uncertain Significance.

NM_004370.6(COL12A1):c.8903C>A (p.Pro2968Gln)

Gene: COL12A1 (collagen type XII alpha 1 chain; minus strand). Cytogenetic location: 6q13.
Variant type: single nucleotide variant.
Coding change: c.8903C>A on transcript NM_004370.6 (MANE Select); coding-DNA position 8903, C replaced by A.
Protein change: p.Pro2968Gln; replaces proline 2968 with glutamine.
Molecular consequence: missense variant.
Genome position (GRCh38, 1-based): chr6:75,090,148, G>T on the plus strand (C>A on the coding strand, the complement: COL12A1 is on the minus strand). VCF-style: chr6-75090148-G-T. GRCh37 (hg19) VCF-style: chr6-75799864-G-T.
Other names: c.8903C>A, p.Pro2968Gln (NM_001424113.1); c.8882C>A, p.Pro2961Gln (NM_001424114.1); c.8630C>A, p.Pro2877Gln (NM_001424115.1); c.5411C>A, p.Pro1804Gln (NM_001424116.1, NM_080645.3); short protein forms P2961Q, P2968Q, P1804Q, P2877Q.
Identifiers: ClinVar variation 2953361 (VCV002953361.3), dbSNP rs771010070, ClinGen allele CA364734587.